The following is an entry in ClinVar:

NM_197968.4(ZMYM2):c.3667A>T (p.Asn1223Tyr)

Gene: ZMYM2 (zinc finger MYM-type containing 2; plus strand). Cytogenetic location: 13q12.11.
Variant type: single nucleotide variant.
Coding change: c.3667A>T on transcript NM_197968.4 (MANE Select); coding-DNA position 3667, A replaced by T.
Protein change: p.Asn1223Tyr; replaces asparagine 1223 with tyrosine.
Molecular consequence: missense variant. On other transcripts: non-coding transcript variant (1).
Genome position (GRCh38, 1-based): chr13:20,082,879, A>T. VCF-style: chr13-20082879-A-T. GRCh37 (hg19) VCF-style: chr13-20657019-A-T.
Other names: c.3667A>T, p.Asn1223Tyr (NM_001190964.4, NM_001190965.4, NM_001353157.2 and 4 more transcripts); c.3472A>T, p.Asn1158Tyr (NM_001353161.3); c.3406A>T, p.Asn1136Tyr (NM_001353163.2); short protein forms N1136Y, N1158Y, N1223Y.
Identifiers: ClinVar variation 3193775 (VCV003193775.1), dbSNP rs2504627289, ClinGen allele CA387469578.
Genomic context (GRCh38, chr13:20,082,879, plus strand): 5'-AGGATAAAACAACTAGGATCACACTCTCCAGTAGCTCTTCTGAATACACTGTTCTACTTT[A>T]ACACTAAGTATTTTGGCCTGAAAACAGTGGAACAACACTTAAGACTTTCCTTTGGCACTG-3'
Protein context (NP_932072.1, residues 1213-1233): VALLNTLFYF[Asn1223Tyr]TKYFGLKTVE

ClinVar aggregate classification (germline): Uncertain significance (1 of 4 stars; one submission).

Conditions:
Inborn genetic diseases. Identifiers: MedGen C0950123, MeSH D030342.

Submission:

Ambry Genetics
Classification: Uncertain significance for Inborn genetic diseases. Last evaluated: 2024-01-24. Review status: criteria provided, single submitter. Criteria: Ambry Variant Classification Scheme 2023. Collection method: clinical testing. Allele origin: germline.
Comment: The c.3667A>T (p.N1223Y) alteration is located in exon 24 (coding exon 21) of the ZMYM2 gene. This alteration results from an A to T substitution at nucleotide position 3667, causing the asparagine (N) at amino acid position 1223 to be replaced by a tyrosine (Y). This variant was not reported in population-based cohorts in the Genome Aggregation Database (gnomAD). This amino acid position is highly conserved in available vertebrate species. The in silico prediction for this alteration is inconclusive. Based on insufficient or conflicting evidence, the clinical significance of this alteration remains unclear.